The following is an entry in ClinVar:

ClinVar aggregate classification (germline): Uncertain significance. Review status: criteria provided, multiple submitters, no conflicts (2 of 4 stars). 2 submissions from 2 submitters: Uncertain significance (2). Last evaluated 2026-06-04.

Conditions:
Jeune thoracic dystrophy. Also called: Short-rib thoracic dysplasia; Jeune syndrome; Infantile thoracic dystrophy; Thoracic pelvic phalangeal dystrophy; Jeune's syndrome; Chondroectodermal dysplasia-like syndrome. Identifiers: Orphanet 474, MedGen C0265275, MONDO:0018770.
Inborn genetic diseases. Identifiers: MedGen C0950123, MeSH D030342.

Allele frequency attached by ClinVar (database versions not stated): gnomAD exomes below 0.00001.
gnomAD v4.1: 1 of 1,584,954 alleles (0.000063%); highest among the groups gnomAD compares: African/African-American, 0.0014%; no homozygotes.

Submissions (2):

Ambry Genetics
Classification: Uncertain significance for Inborn genetic diseases. Last evaluated: 2026-06-04. Review status: criteria provided, single submitter. Criteria: Ambry Variant Classification Scheme 2023. Collection method: clinical testing. Allele origin: germline.

Labcorp Genetics (formerly Invitae), Labcorp
Classification: Uncertain significance for Jeune thoracic dystrophy. Last evaluated: 2021-01-15. Review status: criteria provided, single submitter. Criteria: Invitae Variant Classification Sherloc (09022015). Collection method: clinical testing. Allele origin: germline.
Comment: This sequence change replaces leucine with proline at codon 445 of the DYNC2H1 protein (p.Leu445Pro). The leucine residue is highly conserved and there is a moderate physicochemical difference between leucine and proline. This variant is not present in population databases (ExAC no frequency). This variant has not been reported in the literature in individuals with DYNC2H1-related conditions. Algorithms developed to predict the effect of missense changes on protein structure and function (SIFT, PolyPhen-2, Align-GVGD) all suggest that this variant is likely to be disruptive, but these predictions have not been confirmed by published functional studies and their clinical significance is uncertain. In summary, the available evidence is currently insufficient to determine the role of this variant in disease. Therefore, it has been classified as a Variant of Uncertain Significance.

NM_001377.3(DYNC2H1):c.1334T>C (p.Leu445Pro)

Gene: DYNC2H1 (dynein cytoplasmic 2 heavy chain 1; plus strand). Cytogenetic location: 11q22.3.
Variant type: single nucleotide variant.
Coding change: c.1334T>C on transcript NM_001377.3 (MANE Select); coding-DNA position 1334, T replaced by C.
Protein change: p.Leu445Pro; replaces leucine 445 with proline.
Molecular consequence: missense variant.
Genome position (GRCh38, 1-based): chr11:103,121,010, T>C. VCF-style: chr11-103121010-T-C. GRCh37 (hg19) VCF-style: chr11-102991739-T-C.
Other names: c.1334T>C, p.Leu445Pro (NM_001080463.2); c.1334T>C (NM_001080463.1); short protein forms L445P.
Identifiers: ClinVar variation 1382373 (VCV001382373.9), dbSNP rs2134715945, ClinGen allele CA382251479.